The following is an entry in ClinVar:

ClinVar aggregate classification (germline): Uncertain significance (1 of 4 stars; one submission).

gnomAD v4.1: 4 of 1,614,038 alleles (0.00025%); highest among the groups gnomAD compares: Non-Finnish European, 0.00034%; no homozygotes.

Submission:

GeneDx
Classification: Uncertain significance. Last evaluated: 2023-12-13. Review status: criteria provided, single submitter. Criteria: GeneDx Variant Classification Process June 2021. Collection method: clinical testing. Allele origin: germline. Affected: yes.
Comment: Not observed at significant frequency in large population cohorts (gnomAD); Missense variants in this gene are a common cause of disease and they are underrepresented in the general population; In silico analysis supports that this missense variant has a deleterious effect on protein structure/function; Has not been previously published as pathogenic or benign to our knowledge; This substitution is predicted to be in the cytoplasmic loop between the second and third homologous domains

NM_001040142.2(SCN2A):c.3110A>G (p.Asp1037Gly)

Gene: SCN2A (sodium voltage-gated channel alpha subunit 2; plus strand). Cytogenetic location: 2q24.3.
Variant type: single nucleotide variant.
Coding change: c.3110A>G on transcript NM_001040142.2 (MANE Select); coding-DNA position 3110, A replaced by G.
Protein change: p.Asp1037Gly; replaces aspartic acid 1037 with glycine.
Molecular consequence: missense variant.
Genome position (GRCh38, 1-based): chr2:165,354,382, A>G. VCF-style: chr2-165354382-A-G. GRCh37 (hg19) VCF-style: chr2-166210892-A-G.
Other names: c.3110A>G, p.Asp1037Gly (NM_001040143.2, NM_001371246.1, NM_001371247.1 and 1 more transcripts); short protein forms D1037G.
Identifiers: ClinVar variation 3365539 (VCV003365539.1).
Genomic context (GRCh38, chr2:165,354,382, plus strand): 5'-TTAAAAGAAAAATACGTGAATTTATTCAGAAAGCCTTTGTTAGGAAGCAGAAAGCTTTAG[A>G]TGAAATTAAACCGCTTGAAGATCTAAATAATAAAAAAGACAGCTGTATTTCCAACCATAC-3'
Protein context (NP_001035232.1, residues 1027-1047): KAFVRKQKAL[Asp1037Gly]EIKPLEDLNN